The following is an entry in ClinVar:

NM_012123.4(MTO1):c.734_735del (p.Lys245fs)

Gene: MTO1 (mitochondrial tRNA translation optimization 1; plus strand). Cytogenetic location: 6q13.
Variant type: Deletion.
Coding change: c.734_735del on transcript NM_012123.4 (MANE Select); coding-DNA positions 734 to 735, 2 bases deleted (AA; older notation c.734_735delAA).
Protein change: p.Lys245fs; shifts the reading frame from lysine 245.
Molecular consequence: frameshift variant.
Genome position (GRCh38, 1-based): chr6:73,473,563-73,473,564, AA deleted; deleting any 2 consecutive bases within chr6:73,473,562-73,473,564 gives the same sequence; the c. name uses the placement nearest the transcript's 3' end. VCF-style (leftmost placement, unchanged base first): chr6-73473561-CAA-C. GRCh37 (hg19) VCF-style: chr6-74183284-CAA-C.
Other names: c.734_735del, p.Lys245fs (NM_001123226.2, NM_133645.3); c.734_735delAA (NM_001123226.1, NM_012123.3); short protein forms K245fs.
Identifiers: ClinVar variation 1073851 (VCV001073851.15), dbSNP rs755954353, ClinGen allele CA3889430.
Genomic context (GRCh38, chr6:73,473,561, plus strand): 5'-ACTGGAGAAGTTAGGGTTTGTGGTGGGAAGGTTGAAGACTGGGACTCCACCCCGAATTGC[CAA>C]AGAGTCCATTAATTTCAGTATTCTAAACAAGCATATACCGGACAATCCATCCATACCATT-3'

ClinVar aggregate classification (germline): Pathogenic/Likely pathogenic. Review status: criteria provided, multiple submitters, no conflicts (2 of 4 stars). 4 submissions from 4 submitters: Pathogenic (2); Likely pathogenic (2). Last evaluated 2026-08-18.

Conditions:
Mitochondrial hypertrophic cardiomyopathy with lactic acidosis due to MTO1 deficiency. Also called: CARDIOMYOPATHY, INFANTILE HYPERTROPHIC MITOCHONDRIAL, AND LACTIC ACIDOSIS; Combined oxidative phosphorylation deficiency 10. Identifiers: Orphanet 314637, MedGen C4749921, MONDO:0013865, OMIM 614702.
MTO1-related disorder. Also called: MTO1-related condition.
Inborn genetic diseases. Identifiers: MedGen C0950123, MeSH D030342.

Submissions (4):

PreventionGenetics, part of Exact Sciences
Classification: Likely pathogenic for MTO1-related condition. Last evaluated: 2026-08-18. Review status: criteria provided, single submitter. Criteria: ACMG Guidelines, 2015. Collection method: clinical testing. Allele origin: germline.
Comment: The MTO1 c.734_735delAA variant is predicted to result in a frameshift and premature protein termination (p.Lys245Argfs*4). To our knowledge, this variant has not been previously reported in the literature. This variant is reported in 0.14% of alleles in individuals of Ashkenazi Jewish descent in gnomAD. Frameshift variants in MTO1 are expected to be pathogenic. This variant is interpreted as likely pathogenic.

GeneDx
Classification: Likely pathogenic. Last evaluated: 2026-01-03. Review status: criteria provided, single submitter. Criteria: GeneDx Variant Classification Process June 2021. Collection method: clinical testing. Allele origin: germline. Affected: yes.
Comment: Frameshift variant predicted to result in protein truncation or nonsense mediated decay in a gene for which loss of function is a known mechanism of disease; Not observed at significant frequency in large population cohorts (gnomAD); Has not been previously published as pathogenic or benign to our knowledge

Labcorp Genetics (formerly Invitae), Labcorp
Classification: Pathogenic for Mitochondrial hypertrophic cardiomyopathy with lactic acidosis due to MTO1 deficiency. Last evaluated: 2025-12-21. Review status: criteria provided, single submitter. Criteria: Invitae Variant Classification Sherloc (09022015). Collection method: clinical testing. Allele origin: germline.
Comment: This sequence change creates a premature translational stop signal (p.Lys245Argfs*4) in the MTO1 gene. It is expected to result in an absent or disrupted protein product. Loss-of-function variants in MTO1 are known to be pathogenic (PMID: 22608499, 25058219). This variant is present in population databases (rs755954353, gnomAD 0.1%). This variant has not been reported in the literature in individuals affected with MTO1-related conditions. ClinVar contains an entry for this variant (Variation ID: 1073851). Algorithms developed to predict the effect of sequence changes on RNA splicing suggest that this variant may disrupt the consensus splice site. For these reasons, this variant has been classified as Pathogenic.

Ambry Genetics
Classification: Pathogenic for Inborn genetic diseases. Last evaluated: 2024-12-24. Review status: criteria provided, single submitter. Criteria: Ambry Variant Classification Scheme 2023. Collection method: clinical testing. Allele origin: germline.
Comment: The c.734_735delAA (p.K245Rfs*4) alteration, located in exon 4 (coding exon 4) of the MTO1 gene, consists of a deletion of 2 nucleotides from position 734 to 735, causing a translational frameshift with a predicted alternate stop codon after 4 amino acids. This alteration is expected to result in loss of function by premature protein truncation or nonsense-mediated mRNA decay. Based on data from gnomAD, this allele has an overall frequency of 0.006% (15/251478) total alleles studied. The highest observed frequency was 0.139% (14/10078) of Ashkenazi Jewish alleles. Based on the available evidence, this alteration is classified as pathogenic.

Literature cited by the submitters: PubMed 22608499 (cited by Labcorp Genetics (formerly Invitae), Labcorp); PubMed 25058219 (cited by Labcorp Genetics (formerly Invitae), Labcorp).